The following is an entry in ClinVar:

NM_004588.5(SCN2B):c.116A>G (p.Asn39Ser)

Gene: SCN2B (sodium voltage-gated channel beta subunit 2; minus strand). Cytogenetic location: 11q23.3.
Variant type: single nucleotide variant.
Coding change: c.116A>G on transcript NM_004588.5 (MANE Select); coding-DNA position 116, A replaced by G.
Protein change: p.Asn39Ser; replaces asparagine 39 with serine.
Molecular consequence: missense variant.
Genome position (GRCh38, 1-based): chr11:118,168,706, T>C on the plus strand (A>G on the coding strand, the complement: SCN2B is on the minus strand). VCF-style: chr11-118168706-T-C. GRCh37 (hg19) VCF-style: chr11-118039421-T-C.
Other names: short protein forms N39S.
Identifiers: ClinVar variation 2152642 (VCV002152642.4), dbSNP rs776794801, ClinGen allele CA6300528.

ClinVar aggregate classification (germline): Uncertain significance (1 of 4 stars; one submission).

Conditions:
Atrial fibrillation, familial, 14 (ATFB14). Identifiers: MedGen C3809312, MONDO:0014156, OMIM 615378.

Allele frequency attached by ClinVar (database versions not stated): ExAC 0.00001; gnomAD 0.00001; gnomAD exomes 0.00001; TOPMed 0.00001.

Submission:

Labcorp Genetics (formerly Invitae), Labcorp
Classification: Uncertain significance for Atrial fibrillation, familial, 14. Last evaluated: 2022-06-25. Review status: criteria provided, single submitter. Criteria: Invitae Variant Classification Sherloc (09022015). Collection method: clinical testing. Allele origin: germline.
Comment: This variant has not been reported in the literature in individuals affected with SCN2B-related conditions. Algorithms developed to predict the effect of missense changes on protein structure and function output the following: SIFT: "Tolerated"; PolyPhen-2: "Benign"; Align-GVGD: "Class C0". The serine amino acid residue is found in multiple mammalian species, which suggests that this missense change does not adversely affect protein function. In summary, the available evidence is currently insufficient to determine the role of this variant in disease. Therefore, it has been classified as a Variant of Uncertain Significance. This variant is present in population databases (rs776794801, gnomAD 0.002%). This sequence change replaces asparagine, which is neutral and polar, with serine, which is neutral and polar, at codon 39 of the SCN2B protein (p.Asn39Ser).